The following is an entry in ClinVar:

ClinVar aggregate classification (germline): Uncertain significance (1 of 4 stars; one submission).

Allele frequency attached by ClinVar (database versions not stated): gnomAD exomes below 0.00001.
gnomAD v4.1: 2 of 1,611,400 alleles (0.00012%); highest among the groups gnomAD compares: Non-Finnish European, 0.00017%; no homozygotes.

Submission:

Labcorp Genetics (formerly Invitae), Labcorp
Classification: Uncertain significance. Last evaluated: 2024-08-19. Review status: criteria provided, single submitter. Criteria: Invitae Variant Classification Sherloc (09022015). Collection method: clinical testing. Allele origin: germline.
Comment: This sequence change replaces arginine, which is basic and polar, with glutamine, which is neutral and polar, at codon 3318 of the HERC1 protein (p.Arg3318Gln). This variant is not present in population databases (gnomAD no frequency). This variant has not been reported in the literature in individuals affected with HERC1-related conditions. ClinVar contains an entry for this variant (Variation ID: 1974638). Invitae Evidence Modeling of protein sequence and biophysical properties (such as structural, functional, and spatial information, amino acid conservation, physicochemical variation, residue mobility, and thermodynamic stability) indicates that this missense variant is not expected to disrupt HERC1 protein function with a negative predictive value of 80%. In summary, the available evidence is currently insufficient to determine the role of this variant in disease. Therefore, it has been classified as a Variant of Uncertain Significance.

NM_003922.4(HERC1):c.9953G>A (p.Arg3318Gln)

Gene: HERC1 (HECT and RLD domain containing E3 ubiquitin protein ligase family member 1; minus strand). Cytogenetic location: 15q22.31.
Variant type: single nucleotide variant.
Coding change: c.9953G>A on transcript NM_003922.4 (MANE Select); coding-DNA position 9953, G replaced by A.
Protein change: p.Arg3318Gln; replaces arginine 3318 with glutamine.
Molecular consequence: missense variant.
Genome position (GRCh38, 1-based): chr15:63,655,873, C>T on the plus strand (G>A on the coding strand, the complement: HERC1 is on the minus strand). VCF-style: chr15-63655873-C-T. GRCh37 (hg19) VCF-style: chr15-63948072-C-T.
Other names: short protein forms R3318Q.
Identifiers: ClinVar variation 1974638 (VCV001974638.5), dbSNP rs1422143134, ClinGen allele CA392756728.
Genomic context (GRCh38, chr15:63,655,873, plus strand): 5'-AGGGCCTGTGTTACAACAAAGTTTGGGGAGGTCACAAGCTTGTTCTCTTCAGCAATTCCT[C>T]GGAGAAAGCTGGGTAGAAACTTTCGCTGAATTGAGTCATCAACTGTGGTTAGATTTACAC-3'
Protein context (NP_003913.3, residues 3308-3328): IQRKFLPSFL[Arg3318Gln]GIAEENKLVT